The following is an entry in ClinVar:

ClinVar aggregate classification (germline): Uncertain significance (1 of 4 stars; one submission).

Conditions:
Immunodeficiency 39 (IMD39). Identifiers: Orphanet 574918, MedGen C4225358, MONDO:0014597, OMIM 616345.

Submission:

Labcorp Genetics (formerly Invitae), Labcorp
Classification: Uncertain significance for Immunodeficiency 39. Last evaluated: 2022-10-05. Review status: criteria provided, single submitter. Criteria: Invitae Variant Classification Sherloc (09022015). Collection method: clinical testing. Allele origin: germline.
Comment: This sequence change replaces arginine, which is basic and polar, with tryptophan, which is neutral and slightly polar, at codon 122 of the IRF7 protein (p.Arg122Trp). This variant is not present in population databases (gnomAD no frequency). This variant has not been reported in the literature in individuals affected with IRF7-related conditions. ClinVar contains an entry for this variant (Variation ID: 1422056). Advanced modeling of protein sequence and biophysical properties (such as structural, functional, and spatial information, amino acid conservation, physicochemical variation, residue mobility, and thermodynamic stability) performed at Invitae indicates that this missense variant is not expected to disrupt IRF7 protein function. In summary, the available evidence is currently insufficient to determine the role of this variant in disease. Therefore, it has been classified as a Variant of Uncertain Significance.

NM_001572.5(IRF7):c.325C>T (p.Arg109Trp)

Gene: IRF7 (interferon regulatory factor 7; minus strand). Cytogenetic location: 11p15.5.
Variant type: single nucleotide variant.
Coding change: c.325C>T on transcript NM_001572.5 (MANE Select); coding-DNA position 325, C replaced by T.
Protein change: p.Arg109Trp; replaces arginine 109 with tryptophan.
Molecular consequence: missense variant.
Genome position (GRCh38, 1-based): chr11:614,866, G>A on the plus strand (C>T on the coding strand, the complement: IRF7 is on the minus strand). VCF-style: chr11-614866-G-A. GRCh37 (hg19) VCF-style: chr11-614866-G-A.
Other names: c.325C>T, p.Arg109Trp (NM_004029.4); c.364C>T, p.Arg122Trp (NM_004031.4); short protein forms R109W, R122W.
Identifiers: ClinVar variation 1422056 (VCV001422056.8), dbSNP rs373822391, ClinGen allele CA216912889.